The following is an entry in ClinVar:

NM_000390.4(CHM):c.716G>A (p.Arg239Gln)

Gene: CHM (CHM Rab escort protein; minus strand). Cytogenetic location: Xq21.2.
Variant type: single nucleotide variant.
Coding change: c.716G>A on transcript NM_000390.4 (MANE Select); coding-DNA position 716, G replaced by A.
Protein change: p.Arg239Gln; replaces arginine 239 with glutamine.
Molecular consequence: missense variant.
Genome position (GRCh38, 1-based): chrX:85,958,964, C>T on the plus strand (G>A on the coding strand, the complement: CHM is on the minus strand). VCF-style: chrX-85958964-C-T. GRCh37 (hg19) VCF-style: chrX-85213969-C-T.
Other names: c.272G>A, p.Arg91Gln (NM_001320959.1, NM_001362517.1, NM_001362518.2 and 1 more transcripts); short protein forms R239Q, R91Q.
Identifiers: ClinVar variation 1499512 (VCV001499512.6), dbSNP rs779393462, ClinGen allele CA332654998.

ClinVar aggregate classification (germline): Uncertain significance. Review status: criteria provided, multiple submitters, no conflicts (2 of 4 stars). 2 submissions from 2 submitters: Uncertain significance (2). Last evaluated 2022-01-06.

Allele frequency attached by ClinVar (database versions not stated): gnomAD exomes 0.00001 and 0.00006; gnomAD 0.00002; TOPMed 0.00002.
gnomAD v4.1: 60 of 1,207,803 alleles (0.005%); highest among the groups gnomAD compares: Non-Finnish European, 0.0065%; no homozygotes.

Submissions (2):

Labcorp Genetics (formerly Invitae), Labcorp
Classification: Uncertain significance. Last evaluated: 2022-01-06. Review status: criteria provided, single submitter. Criteria: Invitae Variant Classification Sherloc (09022015). Collection method: clinical testing. Allele origin: germline.
Comment: This sequence change replaces arginine, which is basic and polar, with glutamine, which is neutral and polar, at codon 239 of the CHM protein (p.Arg239Gln). This variant is present in population databases (rs779393462, gnomAD 0.003%). This variant has not been reported in the literature in individuals affected with CHM-related conditions. Algorithms developed to predict the effect of missense changes on protein structure and function are either unavailable or do not agree on the potential impact of this missense change (SIFT: "Tolerated"; PolyPhen-2: "Probably Damaging"; Align-GVGD: "Class C0"). In summary, the available evidence is currently insufficient to determine the role of this variant in disease. Therefore, it has been classified as a Variant of Uncertain Significance.

Blueprint Genetics
Classification: Uncertain significance. Last evaluated: 2019-11-26. Review status: criteria provided, single submitter. Criteria: ACMG Guidelines, 2015. Collection method: clinical testing. Allele origin: germline.